The following is an entry in ClinVar:

NM_145207.3(AFG2A):c.956A>G (p.Asn319Ser)

Gene: AFG2A (AAA ATPase AFG2A; plus strand). Cytogenetic location: 4q28.1.
Variant type: single nucleotide variant.
Coding change: c.956A>G on transcript NM_145207.3 (MANE Select); coding-DNA position 956, A replaced by G.
Protein change: p.Asn319Ser; replaces asparagine 319 with serine.
Molecular consequence: missense variant.
Genome position (GRCh38, 1-based): chr4:122,934,547, A>G. VCF-style: chr4-122934547-A-G. GRCh37 (hg19) VCF-style: chr4-123855702-A-G.
Other names: c.953A>G, p.Asn318Ser (NM_001317799.2, NM_001345856.2); short protein forms N319S, N318S.
Identifiers: ClinVar variation 860578 (VCV000860578.6), dbSNP rs1728955636, ClinGen allele CA358102693.

ClinVar aggregate classification (germline): Uncertain significance (1 of 4 stars; one submission).

Conditions:
Microcephaly-intellectual disability-sensorineural hearing loss-epilepsy-abnormal muscle tone syndrome (NEDHSB). Also called: NEURODEVELOPMENTAL DISORDER WITH HEARING LOSS, SEIZURES, AND BRAIN ABNORMALITIES. Identifiers: Orphanet 457351, MedGen C4225276, MONDO:0014698, OMIM 616577.

Allele frequency attached by ClinVar (database versions not stated): gnomAD exomes below 0.00001.
gnomAD v4.1: 2 of 1,614,008 alleles (0.00012%); highest among the groups gnomAD compares: South Asian, 0.0011%; no homozygotes.

Submission:

Labcorp Genetics (formerly Invitae), Labcorp
Classification: Uncertain significance for Microcephaly-intellectual disability-sensorineural hearing loss-epilepsy-abnormal muscle tone syndrome. Last evaluated: 2024-01-29. Review status: criteria provided, single submitter. Criteria: Invitae Variant Classification Sherloc (09022015). Collection method: clinical testing. Allele origin: germline.
Comment: This sequence change replaces asparagine, which is neutral and polar, with serine, which is neutral and polar, at codon 319 of the SPATA5 protein (p.Asn319Ser). This variant is not present in population databases (gnomAD no frequency). This variant has not been reported in the literature in individuals affected with SPATA5-related conditions. ClinVar contains an entry for this variant (Variation ID: 860578). Advanced modeling of protein sequence and biophysical properties (such as structural, functional, and spatial information, amino acid conservation, physicochemical variation, residue mobility, and thermodynamic stability) performed at Invitae indicates that this missense variant is not expected to disrupt SPATA5 protein function with a negative predictive value of 95%. In summary, the available evidence is currently insufficient to determine the role of this variant in disease. Therefore, it has been classified as a Variant of Uncertain Significance.